The following is an entry in ClinVar:

ClinVar aggregate classification (germline): Pathogenic/Likely pathogenic. Review status: criteria provided, multiple submitters, no conflicts (2 of 4 stars). 4 submissions from 4 submitters: Pathogenic (2); Likely pathogenic (2). Last evaluated 2026-06-17.

Conditions:
Marfan Syndrome/Loeys-Dietz Syndrome/Familial Thoracic Aortic Aneurysms and Dissections. Identifiers: MedGen CN229799.
Marfan syndrome (MFS). Also called: FBN1-Related Marfan Syndrome; MARFAN SYNDROME, TYPE I; Marfan syndrome type 1; Marfan's syndrome; Marfan syndrome, classic. Identifiers: Orphanet 284963, Orphanet 558, MedGen C0024796, MONDO:0007947, OMIM 154700.
Familial thoracic aortic aneurysm and aortic dissection (TAAD). Also called: Thoracic aortic aneurysms and dissections. Identifiers: Orphanet 91387, MedGen C4707243, MONDO:0019625.

Submissions (4):

Women's Health and Genetics/Laboratory Corporation of America, LabCorp
Classification: Pathogenic for Marfan Syndrome/Loeys-Dietz Syndrome/Familial Thoracic Aortic Aneurysms and Dissections. Last evaluated: 2026-06-17. Review status: criteria provided, single submitter. Criteria: LabCorp Variant Classification Summary - May 2015. Collection method: clinical testing. Allele origin: germline.
Comment: Variant summary: FBN1 c.238T>C (p.Cys80Arg) results in a non-conservative amino acid change in the encoded protein sequence. Algorithms developed to predict the effect of missense changes on protein structure and function all suggest that this variant is likely to be disruptive. The variant was absent in 248978 control chromosomes (gnomAD). c.238T>C has been observed in individuals affected with FBN1-related conditions, including a de novo occurrence (e.g. Stheneur_2009, Guo_2024). These data indicate that the variant is likely to be associated with disease. A different variant affecting the same codon has been determined to be likely pathogenic/pathogenic by our lab (c.239G>A, p.Cys80Tyr), supporting the critical relevance of codon 80 to FBN1 protein function. To our knowledge, no experimental evidence demonstrating an impact on protein function has been reported. The following publications have been ascertained in the context of this evaluation (PMID: 19293843, 38190127). ClinVar contains an entry for this variant (Variation ID: 966048). Based on the evidence outlined above, the variant was classified as pathogenic.

GeneDx
Classification: Likely pathogenic. Last evaluated: 2026-02-02. Review status: criteria provided, single submitter. Criteria: GeneDx Variant Classification Process June 2021. Collection method: clinical testing. Allele origin: germline.
Comment: Not observed at significant frequency in large population cohorts (gnomAD); Does not affect a cysteine or calcium-binding residue within an EGF-like domain or a TGF-binding protein domain of the FBN1 gene; cysteine substitutions in the EGF-like domains represent the majority of pathogenic missense changes associated with FBN1-related disorders (PMID: 12938084); In silico analysis supports that this missense variant has a deleterious effect on protein structure/function; This variant is associated with the following publications: (PMID: 16905551, 19349279, 12938084, 21542060, 17627385, 17701892, 38190127, 24941995, 19293843, 28550590)

Ambry Genetics
Classification: Likely pathogenic for Familial thoracic aortic aneurysm and aortic dissection. Last evaluated: 2025-11-20. Review status: criteria provided, single submitter. Criteria: Ambry Variant Classification Scheme 2023. Collection method: clinical testing. Allele origin: germline.
Comment: The p.C80R variant (also known as c.238T>C), located in coding exon 2 of the FBN1 gene, results from a T to C substitution at nucleotide position 238. The cysteine at codon 80 is replaced by arginine, an amino acid with highly dissimilar properties. This variant was reported in individual(s) with features consistent with Marfan syndrome; in at least one individual, it was determined to be de novo (Stheneur C et al. Eur. J. Hum. Genet. 2009;17:1121-8; Baetens M et al. Hum Mutat, 2011 Sep;32:1053-62; Landis BJ et al. J Cardiovasc Transl Res, 2017 Aug;10:423-432; Guo D et al. Invest Ophthalmol Vis Sci, 2024 Jan;65:20). The majority of FBN1 mutations identified to date have involved the substitution or generation of cysteine residues within cbEGF domains (Vollbrandt T et al. J Biol Chem. 2004;279(31):32924-32931). Internal structural analysis indicates this alteration eliminates a disulfide bond critical for the structural integrity of the FUN domain (Ambry internal data). This amino acid position is highly conserved in available vertebrate species. In addition, this alteration is predicted to be deleterious by in silico analysis. This variant is considered to be rare based on population cohorts in the Genome Aggregation Database (gnomAD). Based on the majority of available evidence to date, this variant is likely to be pathogenic.

Labcorp Genetics (formerly Invitae), Labcorp
Classification: Pathogenic for Marfan syndrome; Familial thoracic aortic aneurysm and aortic dissection. Last evaluated: 2021-03-28. Review status: criteria provided, single submitter. Criteria: Invitae Variant Classification Sherloc (09022015). Collection method: clinical testing. Allele origin: germline.
Comment: Algorithms developed to predict the effect of missense changes on protein structure and function are either unavailable or do not agree on the potential impact of this missense change (SIFT: "Deleterious"; PolyPhen-2: "Probably Damaging"; Align-GVGD: "Class C0"). For these reasons, this variant has been classified as Pathogenic. This variant disrupts the p.Cys80 amino acid residue in FBN1. Other variant(s) that disrupt this residue have been observed in individuals with FBN1-related conditions (PMID: 21542060, 17627385), which suggests that this may be a clinically significant amino acid residue. This variant affects a cysteine residue in the EGF-like, TGFBP or hybrid motif domains of FBN1. Cysteine residues are believed to be involved in intramolecular disulfide bridges and have been shown to be important for FBN1 protein structure (PMID: 16905551, 19349279). In addition, missense substitutions affecting cysteine residues within these domains are significantly overrepresented among patients with Marfan syndrome (PMID: 16571647, 17701892). This variant has been observed in individual(s) with clinical features of Marfan syndrome (PMID: 19293843). In at least one individual the variant was observed to be de novo. This variant is not present in population databases (ExAC no frequency). This sequence change replaces cysteine with arginine at codon 80 of the FBN1 protein (p.Cys80Arg). The cysteine residue is highly conserved and there is a large physicochemical difference between cysteine and arginine.

Literature cited by the submitters: PubMed 19293843 (cited by 3 submitters); PubMed 38190127 (cited by Women's Health and Genetics/Laboratory Corporation of America, LabCorp and Ambry Genetics); PubMed 21542060 (cited by Ambry Genetics and Labcorp Genetics (formerly Invitae), Labcorp); PubMed 28550590 (cited by Ambry Genetics); PubMed 17627385 (cited by Labcorp Genetics (formerly Invitae), Labcorp); PubMed 16905551 (cited by Labcorp Genetics (formerly Invitae), Labcorp); PubMed 19349279 (cited by Labcorp Genetics (formerly Invitae), Labcorp); PubMed 16571647 (cited by Labcorp Genetics (formerly Invitae), Labcorp); PubMed 17701892 (cited by Labcorp Genetics (formerly Invitae), Labcorp).

NM_000138.5(FBN1):c.238T>C (p.Cys80Arg)

Gene: FBN1 (fibrillin 1; minus strand). Cytogenetic location: 15q21.1.
Variant type: single nucleotide variant.
Coding change: c.238T>C on transcript NM_000138.5 (MANE Select); coding-DNA position 238, T replaced by C.
Protein change: p.Cys80Arg; replaces cysteine 80 with arginine.
Molecular consequence: missense variant.
Genome position (GRCh38, 1-based): chr15:48,613,019, A>G on the plus strand (T>C on the coding strand, the complement: FBN1 is on the minus strand). VCF-style: chr15-48613019-A-G. GRCh37 (hg19) VCF-style: chr15-48905216-A-G.
Other names: short protein forms C80R.
Identifiers: ClinVar variation 966048 (VCV000966048.11), dbSNP rs111764111, ClinGen allele CA270060796.